The following is an entry in ClinVar:

ClinVar aggregate classification (germline): Uncertain significance (1 of 4 stars; one submission).

Allele frequency attached by ClinVar (database versions not stated): gnomAD exomes below 0.00001.
gnomAD v4.1: 4 of 1,613,596 alleles (0.00025%); highest among the groups gnomAD compares: Non-Finnish European, 0.00034%; no homozygotes.

Submission:

GeneDx
Classification: Uncertain significance. Last evaluated: 2021-05-28. Review status: criteria provided, single submitter. Criteria: GeneDx Variant Classification Process June 2021. Collection method: clinical testing. Allele origin: germline. Affected: yes.
Comment: This variant is associated with the following publications: (PMID: 27535533)

NM_001267550.2(TTN):c.26701A>T (p.Ser8901Cys)

Gene: TTN (titin; minus strand). Cytogenetic location: 2q31.2.
Variant type: single nucleotide variant.
Coding change: c.26701A>T on transcript NM_001267550.2 (MANE Select); coding-DNA position 26701, A replaced by T.
Protein change: p.Ser8901Cys; replaces serine 8901 with cysteine.
Molecular consequence: missense variant. On other transcripts: intron variant (3).
Genome position (GRCh38, 1-based): chr2:178,713,957, T>A on the plus strand (A>T on the coding strand, the complement: TTN is on the minus strand). VCF-style: chr2-178713957-T-A. GRCh37 (hg19) VCF-style: chr2-179578684-T-A.
Other names: c.25750A>T, p.Ser8584Cys (NM_001256850.1); c.22969A>T, p.Ser7657Cys (NM_133378.4); c.13282+24125A>T (NM_003319.4); c.13858+24125A>T (NM_133437.4); c.13657+24125A>T (NM_133432.3); short protein forms S7657C, S8584C, S8901C.
Identifiers: ClinVar variation 1326634 (VCV001326634.2), dbSNP rs1405906564, ClinGen allele CA349463547.